The following is an entry in ClinVar:

NM_003482.4(KMT2D):c.5349C>A (p.Asp1783Glu)

Gene: KMT2D (lysine methyltransferase 2D; minus strand). Cytogenetic location: 12q13.12.
Variant type: single nucleotide variant.
Coding change: c.5349C>A on transcript NM_003482.4 (MANE Select); coding-DNA position 5349, C replaced by A.
Protein change: p.Asp1783Glu; replaces aspartic acid 1783 with glutamic acid.
Molecular consequence: missense variant.
Genome position (GRCh38, 1-based): chr12:49,043,753, G>T on the plus strand (C>A on the coding strand, the complement: KMT2D is on the minus strand). VCF-style: chr12-49043753-G-T. GRCh37 (hg19) VCF-style: chr12-49437536-G-T.
Other names: short protein forms D1783E.
Identifiers: ClinVar variation 938999 (VCV000938999.9), dbSNP rs1943651007, ClinGen allele CA384633760.
Genomic context (GRCh38, chr12:49,043,753, plus strand): 5'-GGTCCCTAGTCCAAAGCTTGGCCGGCCCACCCCAACTGCAAAAAGGGCCTTACGGCTCAG[G>T]TCCAGCAGCTCCTTCCCAAAGAAGGCTTCCTGTGGGGCAGTCAAGGAGAAACAGTTTTCT-3'
Protein context (NP_003473.3, residues 1773-1793): QEAFFGKELL[Asp1783Glu]LSRKALFAVG

ClinVar aggregate classification (germline): Uncertain significance (1 of 4 stars; one submission).

Conditions:
Kabuki syndrome. Also called: NIIKAWA-KUROKI SYNDROME; Kabuki make-up syndrome. Identifiers: Orphanet 2322, MedGen C0796004, MONDO:0016512.

Allele frequency attached by ClinVar (database versions not stated): TOPMed below 0.00001.
gnomAD v4.1: 16 of 1,613,320 alleles (0.00099%); highest among the groups gnomAD compares: Middle Eastern, 0.017%; no homozygotes.

Submission:

Labcorp Genetics (formerly Invitae), Labcorp
Classification: Uncertain significance for Kabuki syndrome. Last evaluated: 2024-06-14. Review status: criteria provided, single submitter. Criteria: Invitae Variant Classification Sherloc (09022015). Collection method: clinical testing. Allele origin: germline.
Comment: This sequence change replaces aspartic acid, which is acidic and polar, with glutamic acid, which is acidic and polar, at codon 1783 of the KMT2D protein (p.Asp1783Glu). This variant is not present in population databases (gnomAD no frequency). This variant has not been reported in the literature in individuals affected with KMT2D-related conditions. ClinVar contains an entry for this variant (Variation ID: 938999). Advanced modeling of protein sequence and biophysical properties (such as structural, functional, and spatial information, amino acid conservation, physicochemical variation, residue mobility, and thermodynamic stability) performed at Invitae indicates that this missense variant is not expected to disrupt KMT2D protein function with a negative predictive value of 95%. In summary, the available evidence is currently insufficient to determine the role of this variant in disease. Therefore, it has been classified as a Variant of Uncertain Significance.